The following is an entry in ClinVar:

ClinVar aggregate classification (germline): Uncertain significance. Review status: criteria provided, multiple submitters, no conflicts (2 of 4 stars). 3 submissions from 3 submitters: Uncertain significance (3). Last evaluated 2023-10-23.

Conditions:
FG syndrome (FGS). Identifiers: MedGen C0220769, MONDO:0002010.

Allele frequency attached by ClinVar (database versions not stated): gnomAD exomes 0.00001 and 0.00002; TOPMed 0.00001.
gnomAD v4.1: 8 of 1,211,811 alleles (0.00066%); highest among the groups gnomAD compares: Admixed American, 0.0065%; no homozygotes.

Submissions (3):

Blueprint Genetics
Classification: Uncertain significance. Last evaluated: 2023-10-23. Review status: criteria provided, single submitter. Criteria: ACMG Guidelines, 2015. Collection method: clinical testing. Allele origin: germline.

Labcorp Genetics (formerly Invitae), Labcorp
Classification: Uncertain significance for FG syndrome. Last evaluated: 2021-08-07. Review status: criteria provided, single submitter. Criteria: Invitae Variant Classification Sherloc (09022015). Collection method: clinical testing. Allele origin: germline.
Comment: In summary, the available evidence is currently insufficient to determine the role of this variant in disease. Therefore, it has been classified as a Variant of Uncertain Significance. Advanced modeling of protein sequence and biophysical properties (such as structural, functional, and spatial information, amino acid conservation, physicochemical variation, residue mobility, and thermodynamic stability) performed at Invitae indicates that this missense variant is expected to disrupt MED12 protein function. This variant has not been reported in the literature in individuals with MED12-related conditions. This variant is not present in population databases (ExAC no frequency). This sequence change replaces arginine with tryptophan at codon 455 of the MED12 protein (p.Arg455Trp). The arginine residue is highly conserved and there is a moderate physicochemical difference between arginine and tryptophan.

Genetic Services Laboratory, University of Chicago
Classification: Uncertain significance. Last evaluated: 2020-08-19. Review status: criteria provided, single submitter. Criteria: ACMG Guidelines, 2015. Collection method: clinical testing. Allele origin: germline. Affected: no.
Comment: DNA sequence analysis of the MED12 gene demonstrated a sequence change, c.1363C>T, in exon 10 that results in an amino acid change, p.Arg455Trp. This sequence change does not appear to have been previously described in patients with MED12-related disorders and has been described in the gnomAD database with a low population frequency of 0.0017% (dbSNP rs1268612180). The p.Arg455Trp change affects a highly conserved amino acid residue located in a domain of the MED12 protein that is known to be functional. In-silico pathogenicity prediction tools (SIFT, PolyPhen2, Align GVGD, REVEL) provide contradictory results for the p.Arg455Trp substitution. Due to these contrasting evidences and the lack of functional studies, the clinical significance of the p.Arg455Trp change remains unknown at this time.

NM_005120.3(MED12):c.1363C>T (p.Arg455Trp)

Genes: MED12 (mediator complex subunit 12; plus strand), LOC126863275 (BRD4-independent group 4 enhancer GRCh37_chrX:70342400-70343599; plus strand). Cytogenetic location: Xq13.1.
Variant type: single nucleotide variant.
Coding change: c.1363C>T on transcript NM_005120.3 (MANE Select); coding-DNA position 1363, C replaced by T.
Protein change: p.Arg455Trp; replaces arginine 455 with tryptophan.
Molecular consequence: missense variant.
Genome position (GRCh38, 1-based): chrX:71,122,752, C>T. VCF-style: chrX-71122752-C-T. GRCh37 (hg19) VCF-style: chrX-70342602-C-T.
Other names: short protein forms R455W.
Identifiers: ClinVar variation 1337044 (VCV001337044.13), dbSNP rs1268612180, ClinGen allele CA413506354.
Genomic context (GRCh38, chrX:71,122,752, plus strand): 5'-GCACCGGGCCTCTGGTTCAGTCCCCTTTACCACTTTTCCTCCTTAGGCTTCACCATTGGA[C>T]GGGTACTTCATACTTTGGAAGTGCTGGACAGCCATAGTTTTGAACGCTCTGACTTCAGCA-3'
Protein context (NP_005111.2, residues 445-465): QEATAGFTIG[Arg455Trp]VLHTLEVLDS